The following is an entry in ClinVar:

ClinVar aggregate classification (germline): Uncertain significance (1 of 4 stars; one submission).

Submission:

Ambry Genetics
Classification: Uncertain significance. Last evaluated: 2025-12-19. Review status: criteria provided, single submitter. Criteria: Ambry Variant Classification Scheme 2023. Collection method: clinical testing. Allele origin: germline.
Comment: The p.T289I variant (also known as c.866C>T), located in coding exon 9 of the SRP72 gene, results from a C to T substitution at nucleotide position 866. The threonine at codon 289 is replaced by isoleucine, an amino acid with similar properties. This amino acid position is conserved. In addition, this alteration is predicted to be deleterious by in silico analysis. Based on the available evidence, the clinical significance of this variant remains unclear.

NM_006947.4(SRP72):c.866C>T (p.Thr289Ile)

Gene: SRP72 (signal recognition particle 72; plus strand). Cytogenetic location: 4q12.
Variant type: single nucleotide variant.
Coding change: c.866C>T on transcript NM_006947.4 (MANE Select); coding-DNA position 866, C replaced by T.
Protein change: p.Thr289Ile; replaces threonine 289 with isoleucine.
Molecular consequence: missense variant. On other transcripts: non-coding transcript variant (1).
Genome position (GRCh38, 1-based): chr4:56,483,179, C>T. VCF-style: chr4-56483179-C-T. GRCh37 (hg19) VCF-style: chr4-57349345-C-T.
Other names: c.683C>T, p.Thr228Ile (NM_001267722.2); short protein forms T228I, T289I.
Identifiers: ClinVar variation 4841446 (VCV004841446.1).